The following is an entry in ClinVar:

ClinVar aggregate classification (germline): Likely benign. Review status: criteria provided, multiple submitters, no conflicts (2 of 4 stars). 3 submissions from 3 submitters: Likely benign (3). Last evaluated 2026-05-01.

Allele frequency attached by ClinVar (database versions not stated): TOPMed 0.00032; gnomAD exomes 0.00041; gnomAD 0.00042 and 0.00045; ExAC 0.00044; ESP Exome Variant Server 0.00046.
gnomAD v4.1: 1,135 of 1,614,110 alleles (0.07%); highest among the groups gnomAD compares: Non-Finnish European, 0.092%; 2 homozygotes.

Submissions (3):

CeGaT Center for Human Genetics Tuebingen
Classification: Likely benign. Last evaluated: 2026-05-01. Review status: criteria provided, single submitter. Criteria: CeGaT Center For Human Genetics Tuebingen Variant Classification Criteria Version 2. Collection method: clinical testing. Allele origin: germline. Affected: yes. Observed: 5 variant alleles.
Comment: SLC45A1: BP4, BP7

Blueprint Genetics
Classification: Likely benign. Last evaluated: 2024-09-19. Review status: criteria provided, single submitter. Criteria: ACMG Guidelines, 2015. Collection method: clinical testing. Allele origin: germline.

Labcorp Genetics (formerly Invitae), Labcorp
Classification: Likely benign. Last evaluated: 2017-12-04. Review status: criteria provided, single submitter. Criteria: Invitae Variant Classification Sherloc (09022015). Collection method: clinical testing. Allele origin: germline.

NM_001080397.3(SLC45A1):c.1854C>T (p.Thr618=)

Gene: SLC45A1 (solute carrier family 45 member 1; plus strand). Cytogenetic location: 1p36.23.
Variant type: single nucleotide variant.
Coding change: c.1854C>T on transcript NM_001080397.3 (MANE Select); coding-DNA position 1854, C replaced by T.
Protein change: p.Thr618=; no amino-acid change (threonine 618 retained).
Molecular consequence: synonymous variant.
Genome position (GRCh38, 1-based): chr1:8,339,572, C>T. VCF-style: chr1-8339572-C-T. GRCh37 (hg19) VCF-style: chr1-8399632-C-T.
Identifiers: ClinVar variation 695432 (VCV000695432.8), dbSNP rs140511753, ClinGen allele CA570544.